The following is an entry in ClinVar:

NM_000548.5(TSC2):c.335A>C (p.Gln112Pro)

Gene: TSC2 (TSC complex subunit 2; plus strand). Cytogenetic location: 16p13.3.
Variant type: single nucleotide variant.
Coding change: c.335A>C on transcript NM_000548.5 (MANE Select); coding-DNA position 335, A replaced by C.
Protein change: p.Gln112Pro; replaces glutamine 112 with proline.
Molecular consequence: missense variant. On other transcripts: 5 prime UTR variant (14), non-coding transcript variant (5), intron variant (9).
Genome position (GRCh38, 1-based): chr16:2,053,451, A>C. VCF-style: chr16-2053451-A-C. GRCh37 (hg19) VCF-style: chr16-2103452-A-C.
Other names: c.335A>C, p.Gln112Pro (NM_001077183.3, NM_001114382.3, NM_001363528.2 and 10 more transcripts); c.188A>C, p.Gln63Pro (NM_001318829.2, NM_001406675.1, NM_001406676.1 and 2 more transcripts); c.368A>C, p.Gln123Pro (NM_001318832.2); c.-482A>C (NM_001406680.1, NM_001406683.1, NM_001406687.1); c.-111A>C (NM_001406681.1); c.-1097A>C (NM_001406689.1, NM_001406690.1, NM_001406691.1 and 2 more transcripts); c.-1403A>C (NM_001406693.1); c.-978A>C (NM_001406694.1, NM_001406695.1); and 4 more; short protein forms Q63P, Q123P, Q112P.
Identifiers: ClinVar variation 2564657 (VCV002564657.2), dbSNP rs2151029133, ClinGen allele CA394306076.

ClinVar aggregate classification (germline): Uncertain significance (1 of 4 stars; one submission).

Conditions:
Hereditary cancer-predisposing syndrome. Also called: Neoplastic Syndromes, Hereditary; Hereditary Cancer Syndrome; Hereditary neoplastic syndrome; Tumor predisposition. Identifiers: Orphanet 140162, MedGen C0027672, MeSH D009386, MONDO:0015356.

Submission:

Ambry Genetics
Classification: Uncertain significance for Hereditary cancer-predisposing syndrome. Last evaluated: 2023-04-18. Review status: criteria provided, single submitter. Criteria: Ambry Variant Classification Scheme 2023. Collection method: clinical testing. Allele origin: germline.
Comment: The p.Q112P variant (also known as c.335A>C), located in coding exon 3 of the TSC2 gene, results from an A to C substitution at nucleotide position 335. The glutamine at codon 112 is replaced by proline, an amino acid with similar properties. This amino acid position is conserved. In addition, this alteration is predicted to be deleterious by in silico analysis. Since supporting evidence is limited at this time, the clinical significance of this alteration remains unclear.